The following is an entry in ClinVar:

ClinVar aggregate classification (germline): Uncertain significance (1 of 4 stars; one submission).

Conditions:
Myopathy, proximal, and ophthalmoplegia (CMYO6). Also called: INCLUSION BODY MYOPATHY 3, AUTOSOMAL DOMINANT; MYOPATHY WITH CONGENITAL JOINT CONTRACTURES, OPHTHALMOPLEGIA, AND RIMMED VACUOLES; CONGENITAL MYOPATHY 6 WITH OPHTHALMOPLEGIA. Identifiers: Orphanet 363677, Orphanet 79091, MedGen C1854106, MONDO:0011577, OMIM 605637.

Submission:

Labcorp Genetics (formerly Invitae), Labcorp
Classification: Uncertain significance for Myopathy, proximal, and ophthalmoplegia. Last evaluated: 2026-02-02. Review status: criteria provided, single submitter. Criteria: Invitae Variant Classification Sherloc (09022015). Collection method: clinical testing. Allele origin: germline.
Comment: This sequence change replaces serine, which is neutral and polar, with isoleucine, which is neutral and non-polar, at codon 2 of the MYH2 protein (p.Ser2Ile). This variant is not present in population databases (gnomAD no frequency). This variant has not been reported in the literature in individuals affected with MYH2-related conditions. ClinVar contains an entry for this variant (Variation ID: 1716122). An algorithm developed to predict the effect of missense changes on protein structure and function (PolyPhen-2) suggests that this variant is likely to be tolerated. In summary, the available evidence is currently insufficient to determine the role of this variant in disease. Therefore, it has been classified as a Variant of Uncertain Significance.

NM_017534.6(MYH2):c.5G>T (p.Ser2Ile)

Genes: MYH2 (myosin heavy chain 2; minus strand), MYHAS (myosin heavy chain gene cluster antisense RNA; plus strand). Cytogenetic location: 17p13.1.
Variant type: single nucleotide variant.
Coding change: c.5G>T on transcript NM_017534.6 (MANE Select); coding-DNA position 5, G replaced by T.
Protein change: p.Ser2Ile; replaces serine 2 with isoleucine.
Molecular consequence: missense variant.
Genome position (GRCh38, 1-based): chr17:10,547,916, C>A on the plus strand (G>T on the coding strand, the complement: MYH2 is on the minus strand). VCF-style: chr17-10547916-C-A. GRCh37 (hg19) VCF-style: chr17-10451233-C-A.
Other names: c.5G>T, p.Ser2Ile (NM_001100112.2); short protein forms S2I.
Identifiers: ClinVar variation 1716122 (VCV001716122.6), dbSNP rs1004770990, ClinGen allele CA287751627.